The following is an entry in ClinVar:

ClinVar aggregate classification (germline): Uncertain significance (1 of 4 stars; one submission).

Conditions:
Hereditary spastic paraplegia 7 (SPG7). Also called: Autosomal recessive spastic paraplegia type 7; SPG7-related neurologic disorder; SPASTIC PARAPLEGIA 7, AUTOSOMAL RECESSIVE, WITH OR WITHOUT CEREBELLAR ATAXIA; Spastic paraplegia 7; Hereditary spastic paraplegia Paraplegin type. Identifiers: Orphanet 99013, MedGen C1846564, MONDO:0011803, OMIM 607259.

Allele frequency attached by ClinVar (database versions not stated): gnomAD 0.00001 and 0.00003; gnomAD exomes 0.00002 and 0.00003; ExAC 0.00001.
gnomAD v4.1: 35 of 1,614,118 alleles (0.0022%); highest among the groups gnomAD compares: Middle Eastern, 0.016%; no homozygotes.

Submission:

Labcorp Genetics (formerly Invitae), Labcorp
Classification: Uncertain significance for Hereditary spastic paraplegia 7. Last evaluated: 2021-06-19. Review status: criteria provided, single submitter. Criteria: Invitae Variant Classification Sherloc (09022015). Collection method: clinical testing. Allele origin: germline.
Comment: This sequence change replaces isoleucine with valine at codon 460 of the SPG7 protein (p.Ile460Val). The isoleucine residue is moderately conserved and there is a small physicochemical difference between isoleucine and valine. In summary, the available evidence is currently insufficient to determine the role of this variant in disease. Therefore, it has been classified as a Variant of Uncertain Significance. Advanced modeling of protein sequence and biophysical properties (such as structural, functional, and spatial information, amino acid conservation, physicochemical variation, residue mobility, and thermodynamic stability) performed at Invitae indicates that this missense variant is not expected to disrupt SPG7 protein function. This variant has not been reported in the literature in individuals with SPG7-related conditions. This variant is present in population databases (rs748873540, ExAC 0.002%).

NM_003119.4(SPG7):c.1378A>G (p.Ile460Val)

Gene: SPG7 (SPG7 matrix AAA peptidase subunit, paraplegin; plus strand). Cytogenetic location: 16q24.3.
Variant type: single nucleotide variant.
Coding change: c.1378A>G on transcript NM_003119.4 (MANE Select); coding-DNA position 1378, A replaced by G.
Protein change: p.Ile460Val; replaces isoleucine 460 with valine.
Molecular consequence: missense variant.
Genome position (GRCh38, 1-based): chr16:89,544,701, A>G. VCF-style: chr16-89544701-A-G. GRCh37 (hg19) VCF-style: chr16-89611109-A-G.
Other names: c.1378A>G, p.Ile460Val (NM_001363850.1); short protein forms I460V.
Identifiers: ClinVar variation 1374816 (VCV001374816.8), dbSNP rs748873540, ClinGen allele CA8244160.